The following is an entry in ClinVar:

NM_020812.4(DOCK6):c.686C>T (p.Pro229Leu)

Gene: DOCK6 (dedicator of cytokinesis 6; minus strand). Cytogenetic location: 19p13.2.
Variant type: single nucleotide variant.
Coding change: c.686C>T on transcript NM_020812.4 (MANE Select); coding-DNA position 686, C replaced by T.
Protein change: p.Pro229Leu; replaces proline 229 with leucine.
Molecular consequence: missense variant.
Genome position (GRCh38, 1-based): chr19:11,250,908, G>A on the plus strand (C>T on the coding strand, the complement: DOCK6 is on the minus strand). VCF-style: chr19-11250908-G-A. GRCh37 (hg19) VCF-style: chr19-11361584-G-A.
Other names: c.686C>T, p.Pro229Leu (NM_001367830.1); c.686C>T (NM_020812.2); short protein forms P229L.
Identifiers: ClinVar variation 597667 (VCV000597667.9), dbSNP rs375697335, ClinGen allele CA9208405.
Genomic context (GRCh38, chr19:11,250,908, plus strand): 5'-GCTGATATCTGGGAAGGGGCACCCACCTCGTCAGGTGCCGGGTAGAGGGTGAGCAGGGCC[G>A]GGGGCCGGTGCTGCCGTCGAAGGGTTTCATTGCGCCGGTCCACATCTTCTGGGGCCGCCC-3'
Protein context (NP_065863.2, residues 219-239): NETLRRQHRP[Pro229Leu]ALLTLYPAPD

ClinVar aggregate classification (germline): Uncertain significance. Review status: criteria provided, multiple submitters, no conflicts (2 of 4 stars). 3 submissions from 3 submitters: Uncertain significance (3). Last evaluated 2025-05-07.

Conditions:
Inborn genetic diseases. Identifiers: MedGen C0950123, MeSH D030342.

Allele frequency attached by ClinVar (database versions not stated): gnomAD 0.00005 and 0.00004; gnomAD exomes 0.00003; TOPMed 0.00004; ESP Exome Variant Server 0.00008; ExAC 0.00012; 1000 Genomes Project 30x 0.00016; 1000 Genomes Project 0.00020.
gnomAD v4.1: 46 of 1,604,546 alleles (0.0029%); highest among the groups gnomAD compares: East Asian, 0.025%; no homozygotes.

Submissions (3):

Ambry Genetics
Classification: Uncertain significance for Inborn genetic diseases. Last evaluated: 2025-05-07. Review status: criteria provided, single submitter. Criteria: Ambry Variant Classification Scheme 2023. Collection method: clinical testing. Allele origin: germline.

Labcorp Genetics (formerly Invitae), Labcorp
Classification: Uncertain significance. Last evaluated: 2025-01-07. Review status: criteria provided, single submitter. Criteria: Invitae Variant Classification Sherloc (09022015). Collection method: clinical testing. Allele origin: germline.
Comment: This sequence change replaces proline, which is neutral and non-polar, with leucine, which is neutral and non-polar, at codon 229 of the DOCK6 protein (p.Pro229Leu). This variant is present in population databases (rs375697335, gnomAD 0.05%). This variant has not been reported in the literature in individuals affected with DOCK6-related conditions. ClinVar contains an entry for this variant (Variation ID: 597667). Invitae Evidence Modeling of protein sequence and biophysical properties (such as structural, functional, and spatial information, amino acid conservation, physicochemical variation, residue mobility, and thermodynamic stability) indicates that this missense variant is not expected to disrupt DOCK6 protein function with a negative predictive value of 80%. In summary, the available evidence is currently insufficient to determine the role of this variant in disease. Therefore, it has been classified as a Variant of Uncertain Significance.

Eurofins Ntd Llc (ga)
Classification: Uncertain significance. Last evaluated: 2018-06-13. Review status: criteria provided, single submitter. Criteria: EGL ClinVar v180209 classification definitions. Collection method: clinical testing. Allele origin: germline. Observed: 1 variant allele, 1 heterozygote.